The following is an entry in ClinVar:

ClinVar aggregate classification (germline): Uncertain significance. Review status: criteria provided, multiple submitters, no conflicts (2 of 4 stars). 3 submissions from 3 submitters: Uncertain significance (3). Last evaluated 2023-08-22.

Conditions:
Inborn genetic diseases. Identifiers: MedGen C0950123, MeSH D030342.
Cowden syndrome (CS). Also called: Cowden's disease; Cowden's syndrome; Cowden disease. Identifiers: Orphanet 201, MedGen C0018553, MONDO:0016063. Disease mechanism: gain of function.

Allele frequency attached by ClinVar (database versions not stated): gnomAD exomes below 0.00001; gnomAD 0.00001.
gnomAD v4.1: 4 of 1,612,926 alleles (0.00025%); highest among the groups gnomAD compares: Admixed American, 0.0017%; no homozygotes.

Submissions (3):

Blueprint Genetics
Classification: Uncertain significance. Last evaluated: 2023-08-22. Review status: criteria provided, single submitter. Criteria: ACMG Guidelines, 2015. Collection method: clinical testing. Allele origin: germline.

Labcorp Genetics (formerly Invitae), Labcorp
Classification: Uncertain significance for Cowden syndrome. Last evaluated: 2021-12-04. Review status: criteria provided, single submitter. Criteria: Invitae Variant Classification Sherloc (09022015). Collection method: clinical testing. Allele origin: germline.
Comment: This variant has not been reported in the literature in individuals affected with PIK3CA-related conditions. Advanced modeling of protein sequence and biophysical properties (such as structural, functional, and spatial information, amino acid conservation, physicochemical variation, residue mobility, and thermodynamic stability) performed at Invitae indicates that this missense variant is expected to disrupt PIK3CA protein function. In summary, the available evidence is currently insufficient to determine the role of this variant in disease. Therefore, it has been classified as a Variant of Uncertain Significance. This variant is not present in population databases (gnomAD no frequency). This sequence change replaces arginine, which is basic and polar, with histidine, which is basic and polar, at codon 899 of the PIK3CA protein (p.Arg899His).

Ambry Genetics
Classification: Uncertain significance for Inborn genetic diseases. Last evaluated: 2021-08-05. Review status: criteria provided, single submitter. Criteria: Ambry Variant Classification Scheme 2023. Collection method: clinical testing. Allele origin: germline.
Comment: The p.R899H variant (also known as c.2696G>A), located in coding exon 18 of the PIK3CA gene, results from a G to A substitution at nucleotide position 2696. The arginine at codon 899 is replaced by histidine, an amino acid with highly similar properties. This amino acid position is conserved. In addition, this alteration is predicted to be deleterious by in silico analysis. Since supporting evidence is limited at this time, the clinical significance of this alteration remains unclear.

NM_006218.4(PIK3CA):c.2696G>A (p.Arg899His)

Gene: PIK3CA (phosphatidylinositol-4,5-bisphosphate 3-kinase catalytic subunit alpha; plus strand). Cytogenetic location: 3q26.32.
Variant type: single nucleotide variant.
Coding change: c.2696G>A on transcript NM_006218.4 (MANE Select); coding-DNA position 2696, G replaced by A.
Protein change: p.Arg899His; replaces arginine 899 with histidine.
Molecular consequence: missense variant.
Genome position (GRCh38, 1-based): chr3:179,230,033, G>A. VCF-style: chr3-179230033-G-A. GRCh37 (hg19) VCF-style: chr3-178947821-G-A.
Other names: short protein forms R899H.
Identifiers: ClinVar variation 1504759 (VCV001504759.9), dbSNP rs1725176691, ClinGen allele CA355279394.